The following is an entry in ClinVar:

ClinVar aggregate classification (germline): Pathogenic/Likely pathogenic. Review status: criteria provided, multiple submitters, no conflicts (2 of 4 stars). 2 submissions from 2 submitters: Pathogenic (1); Likely pathogenic (1). Last evaluated 2024-04-20.

Conditions:
Renal tubular dysgenesis of genetic origin. Also called: PRIMITIVE RENAL TUBULE SYNDROME. Identifiers: Orphanet 97369, MedGen C5681536, MONDO:0009970, OMIM 267430.
Hemorrhage, intracerebral, susceptibility to (ICH). Also called: Stroke, hemorrhagic, susceptibility to. Identifiers: MedGen C3281105, MONDO:0100533, OMIM 614519.
Microvascular complications of diabetes, susceptibility to, 3. Identifiers: MedGen C2675470, MONDO:0012963, OMIM 612624.

Allele frequency attached by ClinVar (database versions not stated): gnomAD exomes below 0.00001; ExAC 0.00001; gnomAD 0.00001; TOPMed 0.00001.

Submissions (2):

Fulgent Genetics
Classification: Likely pathogenic for Renal tubular dysgenesis of genetic origin; Microvascular complications of diabetes, susceptibility to, 3; Hemorrhage, intracerebral, susceptibility to. Last evaluated: 2024-04-20. Review status: criteria provided, single submitter. Criteria: ACMG Guidelines, 2015. Collection method: clinical testing. Allele origin: germline.

Labcorp Genetics (formerly Invitae), Labcorp
Classification: Pathogenic. Last evaluated: 2023-03-17. Review status: criteria provided, single submitter. Criteria: Invitae Variant Classification Sherloc (09022015). Collection method: clinical testing. Allele origin: germline.
Comment: This sequence change creates a premature translational stop signal (p.Gln396*) in the ACE gene. It is expected to result in an absent or disrupted protein product. Loss-of-function variants in ACE are known to be pathogenic (PMID: 22095942). This variant is not present in population databases (gnomAD no frequency). This variant has not been reported in the literature in individuals affected with ACE-related conditions. For these reasons, this variant has been classified as Pathogenic.

Literature cited by the submitters: PubMed 22095942 (cited by Labcorp Genetics (formerly Invitae), Labcorp).

NM_000789.4(ACE):c.1186C>T (p.Gln396Ter)

Gene: ACE (angiotensin I converting enzyme; plus strand). Cytogenetic location: 17q23.3.
Variant type: single nucleotide variant.
Coding change: c.1186C>T on transcript NM_000789.4 (MANE Select); coding-DNA position 1186, C replaced by T.
Protein change: p.Gln396Ter; replaces glutamine 396 with a stop codon.
Molecular consequence: nonsense.
Genome position (GRCh38, 1-based): chr17:63,482,533, C>T. VCF-style: chr17-63482533-C-T. GRCh37 (hg19) VCF-style: chr17-61559894-C-T.
Other names: c.619C>T, p.Gln207Ter (NM_001382700.1); c.334C>T, p.Gln112Ter (NM_001382701.1); short protein forms Q112*, Q207*, Q396*.
Identifiers: ClinVar variation 3001305 (VCV003001305.4), dbSNP rs769063911, ClinGen allele CA8699435.
Genomic context (GRCh38, chr17:63,482,533, plus strand): 5'-CAGTGCACACGGGTCACGATGGACCAGCTCTCCACAGTGCACCATGAGATGGGCCATATA[C>T]AGTACTACCTGCAGTACAAGGATCTGCCCGTCTCCCTGCGTCGGGGGGCCAACCCCGGCT-3'